The following is an entry in ClinVar:

ClinVar aggregate classification (germline): Uncertain significance (1 of 4 stars; one submission).

Conditions:
Cardiovascular phenotype. Identifiers: MedGen CN230736.

Allele frequency attached by ClinVar (database versions not stated): gnomAD exomes below 0.00001.
gnomAD v4.1: 1 of 1,614,180 alleles (0.000062%); highest among the groups gnomAD compares: Non-Finnish European, 0.000085%; no homozygotes.

Submission:

Ambry Genetics
Classification: Uncertain significance for Cardiovascular phenotype. Last evaluated: 2015-05-08. Review status: criteria provided, single submitter. Criteria: Ambry Variant Classification Scheme 2023. Collection method: clinical testing. Allele origin: germline.
Comment: The p.Y327C variant (also known as c.980A>G), located in coding exon 5 of the KCNH2 gene, results from an A to G substitution at nucleotide position 980. The tyrosine at codon 327 is replaced by cysteine, an amino acid with highly dissimilar properties. This variant was not reported in population based cohorts in the following databases: Database of Single Nucleotide Polymorphisms (dbSNP), NHLBI Exome Sequencing Project (ESP), and 1000 Genomes Project. In the ESP, this variant was not observed in 6,503 samples (13,006 alleles) with coverage at this position. This amino acid position is conserved in available vertebrate species, except for three fish species and cysteine is the reference amino acid in megabat. In addition, the in silico prediction for this alteration is inconclusive. Since supporting evidence is limited at this time, the clinical significance of this variant remains unclear.

NM_000238.4(KCNH2):c.980A>G (p.Tyr327Cys)

Gene: KCNH2 (potassium voltage-gated channel subfamily H member 2; minus strand). Cytogenetic location: 7q36.1.
Variant type: single nucleotide variant.
Coding change: c.980A>G on transcript NM_000238.4 (MANE Select); coding-DNA position 980, A replaced by G.
Protein change: p.Tyr327Cys; replaces tyrosine 327 with cysteine.
Molecular consequence: missense variant.
Genome position (GRCh38, 1-based): chr7:150,957,439, T>C on the plus strand (A>G on the coding strand, the complement: KCNH2 is on the minus strand). VCF-style: chr7-150957439-T-C. GRCh37 (hg19) VCF-style: chr7-150654527-T-C.
Other names: c.692A>G, p.Tyr231Cys (NM_001406753.1, NM_001406756.1); c.803A>G, p.Tyr268Cys (NM_001406755.1); c.680A>G, p.Tyr227Cys (NM_001406757.1); c.980A>G, p.Tyr327Cys (NM_172056.3); short protein forms Y327C, Y231C, Y227C, Y268C.
Identifiers: ClinVar variation 264025 (VCV000264025.7), dbSNP rs886039013, ClinGen allele CA10587641.